The following is an entry in ClinVar:

NM_002435.3(MPI):c.573C>T (p.Ala191=)

Gene: MPI (mannose phosphate isomerase; plus strand). Cytogenetic location: 15q24.1.
Variant type: single nucleotide variant.
Coding change: c.573C>T on transcript NM_002435.3 (MANE Select); coding-DNA position 573, C replaced by T.
Protein change: p.Ala191=; no amino-acid change (alanine 191 retained).
Molecular consequence: synonymous variant. On other transcripts: intron variant (1).
Genome position (GRCh38, 1-based): chr15:74,893,223, C>T. VCF-style: chr15-74893223-C-T. GRCh37 (hg19) VCF-style: chr15-75185564-C-T.
Other names: p.Ala191=; c.573C>T, p.Ala191= (NM_001289155.2); c.423C>T, p.Ala141= (NM_001289156.2); c.513C>T, p.Ala171= (NM_001330372.2); c.487+421C>T (NM_001289157.2).
Identifiers: ClinVar variation 706142 (VCV000706142.19), dbSNP rs200903491, ClinGen allele CA7662464.

ClinVar aggregate classification (germline): Conflicting classifications of pathogenicity. Review status: criteria provided, conflicting classifications (1 of 4 stars). 6 submissions from 6 submitters: Uncertain significance (1); Likely benign (3). 2 of the submissions do not count toward it. Last evaluated 2025-12-31.

Conditions:
MPI-related disorder. Also called: MPI-related condition.
MPI-congenital disorder of glycosylation. Also called: MPI DEFICIENCY; MANNOSEPHOSPHATE ISOMERASE DEFICIENCY; PROTEIN-LOSING ENTEROPATHY-HEPATIC FIBROSIS SYNDROME; MPI-CDG; CONGENITAL DISORDER OF GLYCOSYLATION, TYPE Ib; CDG Ib. Identifiers: Orphanet 79319, MedGen C1865145, MONDO:0011257, OMIM 602579.

Allele frequency attached by ClinVar (database versions not stated): gnomAD 0.00021 and 0.00022; gnomAD exomes 0.00030 and 0.00050; TOPMed 0.00030; ESP Exome Variant Server 0.00031; ExAC 0.00032.
gnomAD v4.1: 747 of 1,614,090 alleles (0.046%); highest among the groups gnomAD compares: Non-Finnish European, 0.06%; 2 homozygotes.

Submissions (6):

Labcorp Genetics (formerly Invitae), Labcorp
Classification: Likely benign for MPI-congenital disorder of glycosylation. Last evaluated: 2025-12-31. Review status: criteria provided, single submitter. Criteria: Invitae Variant Classification Sherloc (09022015). Collection method: clinical testing. Allele origin: germline.

PreventionGenetics, part of Exact Sciences
Classification: Likely benign for MPI-related condition. Last evaluated: 2024-12-06. Review status: criteria provided, single submitter. Criteria: ACMG Guidelines, 2015. Collection method: clinical testing. Allele origin: germline.
Comment: This variant is classified as likely benign based on ACMG/AMP sequence variant interpretation guidelines (Richards et al. 2015 PMID: 25741868, with internal and published modifications).

Mayo Clinic Laboratories, Mayo Clinic
Classification: Likely benign. Last evaluated: 2024-12-03. Review status: criteria provided, single submitter. Criteria: ACMG Guidelines, 2015. Collection method: clinical testing. Allele origin: germline. Observed: 1 variant allele.
Comment: BP4, BP7

Illumina Laboratory Services, Illumina
Classification: Uncertain significance for MPI-congenital disorder of glycosylation. Last evaluated: 2018-01-13. Review status: criteria provided, single submitter. Criteria: ICSL Variant Classification Criteria 13 December 2019. Collection method: clinical testing. Allele origin: germline.

Genetic Services Laboratory, University of Chicago
Classification: Likely benign. Last evaluated: 2022-11-10. Review status: no assertion criteria provided. Collection method: clinical testing. Allele origin: germline. Affected: no. Not counted in ClinVar's aggregate classification.

Natera, Inc.
Classification: Uncertain significance for Congenital disorder of glycosylation type 1b. Last evaluated: 2020-01-24. Review status: no assertion criteria provided. Collection method: clinical testing. Allele origin: germline. Not counted in ClinVar's aggregate classification.